The following is an entry in ClinVar:

ClinVar aggregate classification (germline): Uncertain significance. Review status: criteria provided, multiple submitters, no conflicts (2 of 4 stars). 2 submissions from 2 submitters: Uncertain significance (2). Last evaluated 2026-06-15.

Conditions:
ADAR-related disorder. Also called: ADAR-related disorders; ADAR-related condition.
Aicardi-Goutieres syndrome 6 (AGS6). Identifiers: Orphanet 51, MedGen C3539013, MONDO:0014007, OMIM 615010.
Symmetrical dyschromatosis of extremities (DSH). Also called: DYSCHROMATOSIS SYMMETRICA HEREDITARIA 1; SYMMETRIC DYSCHROMATOSIS OF THE EXTREMITIES; Dyschromatosis symmetrica hereditaria; RETICULATE ACROPIGMENTATION OF DOHI. Identifiers: Orphanet 41, MedGen C0406775, MONDO:0007483, OMIM 127400.

Allele frequency attached by ClinVar (database versions not stated): ExAC 0.00001; gnomAD exomes 0.00001; TOPMed 0.00003; gnomAD 0.00004.
gnomAD v4.1: 25 of 1,613,936 alleles (0.0015%); highest among the groups gnomAD compares: South Asian, 0.0033%; no homozygotes.

Submissions (2):

PreventionGenetics, part of Exact Sciences
Classification: Uncertain significance for ADAR-related condition. Last evaluated: 2026-06-15. Review status: criteria provided, single submitter. Criteria: ACMG Guidelines, 2015. Collection method: clinical testing. Allele origin: germline.
Comment: The ADAR c.2959C>T variant is predicted to result in the amino acid substitution p.Arg987Cys. To our knowledge, this variant has not been reported in the literature. This variant is reported in 0.0065% of alleles in individuals of South Asian descent in gnomAD. At this time, the clinical significance of this variant is uncertain due to the absence of conclusive functional and genetic evidence.

Labcorp Genetics (formerly Invitae), Labcorp
Classification: Uncertain significance for Aicardi-Goutieres syndrome 6; Symmetrical dyschromatosis of extremities. Last evaluated: 2025-09-27. Review status: criteria provided, single submitter. Criteria: Invitae Variant Classification Sherloc (09022015). Collection method: clinical testing. Allele origin: germline.
Comment: This sequence change replaces arginine, which is basic and polar, with cysteine, which is neutral and slightly polar, at codon 987 of the ADAR protein (p.Arg987Cys). This variant is present in population databases (rs763536266, gnomAD 0.007%). This variant has not been reported in the literature in individuals affected with ADAR-related conditions. ClinVar contains an entry for this variant (Variation ID: 2055619). Invitae Evidence Modeling of protein sequence and biophysical properties (such as structural, functional, and spatial information, amino acid conservation, physicochemical variation, residue mobility, and thermodynamic stability) indicates that this missense variant is not expected to disrupt ADAR protein function with a negative predictive value of 80%. In summary, the available evidence is currently insufficient to determine the role of this variant in disease. Therefore, it has been classified as a Variant of Uncertain Significance.

NM_001111.5(ADAR):c.2959C>T (p.Arg987Cys)

Gene: ADAR (adenosine deaminase RNA specific; minus strand). Cytogenetic location: 1q21.3.
Variant type: single nucleotide variant.
Coding change: c.2959C>T on transcript NM_001111.5 (MANE Select); coding-DNA position 2959, C replaced by T.
Protein change: p.Arg987Cys; replaces arginine 987 with cysteine.
Molecular consequence: missense variant.
Genome position (GRCh38, 1-based): chr1:154,588,185, G>A on the plus strand (C>T on the coding strand, the complement: ADAR is on the minus strand). VCF-style: chr1-154588185-G-A. GRCh37 (hg19) VCF-style: chr1-154560661-G-A.
Other names: c.2959C>T (NM_001111.4); c.2074C>T, p.Arg692Cys (NM_001025107.3, NM_001193495.2, NM_001365046.1 and 2 more transcripts); c.2986C>T, p.Arg996Cys (NM_001365045.1); c.1996C>T, p.Arg666Cys (NM_001365049.1); c.2881C>T, p.Arg961Cys (NM_015840.4); c.2824C>T, p.Arg942Cys (NM_015841.4); short protein forms R692C, R942C, R961C, R666C, R987C, R996C.
Identifiers: ClinVar variation 2055619 (VCV002055619.5), dbSNP rs763536266, ClinGen allele CA1131094.